The following is an entry in ClinVar:

ClinVar aggregate classification (germline): Uncertain significance (1 of 4 stars; one submission).

Allele frequency attached by ClinVar (database versions not stated): gnomAD exomes below 0.00001.
gnomAD v4.1: 1 of 1,607,804 alleles (0.000062%); highest among the groups gnomAD compares: Admixed American, 0.0017%; no homozygotes.

Submission:

Labcorp Genetics (formerly Invitae), Labcorp
Classification: Uncertain significance. Last evaluated: 2023-10-13. Review status: criteria provided, single submitter. Criteria: Invitae Variant Classification Sherloc (09022015). Collection method: clinical testing. Allele origin: germline.
Comment: This sequence change replaces serine, which is neutral and polar, with leucine, which is neutral and non-polar, at codon 1206 of the PCLO protein (p.Ser1206Leu). This variant is present in population databases (no rsID available, gnomAD 0.003%). This variant has not been reported in the literature in individuals affected with PCLO-related conditions. ClinVar contains an entry for this variant (Variation ID: 1465463). Algorithms developed to predict the effect of missense changes on protein structure and function output the following: SIFT: "Not Available"; PolyPhen-2: "Not Available"; Align-GVGD: "Not Available". The leucine amino acid residue is found in multiple mammalian species, which suggests that this missense change does not adversely affect protein function. In summary, the available evidence is currently insufficient to determine the role of this variant in disease. Therefore, it has been classified as a Variant of Uncertain Significance.

NM_033026.6(PCLO):c.3617C>T (p.Ser1206Leu)

Gene: PCLO (piccolo presynaptic cytomatrix protein; minus strand). Cytogenetic location: 7q21.11.
Variant type: single nucleotide variant.
Coding change: c.3617C>T on transcript NM_033026.6 (MANE Select); coding-DNA position 3617, C replaced by T.
Protein change: p.Ser1206Leu; replaces serine 1206 with leucine.
Molecular consequence: missense variant.
Genome position (GRCh38, 1-based): chr7:82,966,171, G>A on the plus strand (C>T on the coding strand, the complement: PCLO is on the minus strand). VCF-style: chr7-82966171-G-A. GRCh37 (hg19) VCF-style: chr7-82595487-G-A.
Other names: c.3617C>T, p.Ser1206Leu (NM_014510.3); short protein forms S1206L.
Identifiers: ClinVar variation 1465463 (VCV001465463.8), dbSNP rs1327554957, ClinGen allele CA367932805.